The following is an entry in ClinVar:

ClinVar aggregate classification (germline): Uncertain significance (1 of 4 stars; one submission).

Allele frequency attached by ClinVar (database versions not stated): ExAC 0.00001; gnomAD 0.00001; TOPMed 0.00001; gnomAD exomes 0.00003; ESP Exome Variant Server 0.00008; 1000 Genomes Project 30x 0.00016; 1000 Genomes Project 0.00020.
gnomAD v4.1: 39 of 1,613,660 alleles (0.0024%); highest among the groups gnomAD compares: South Asian, 0.0044%; no homozygotes.

Submission:

Labcorp Genetics (formerly Invitae), Labcorp
Classification: Uncertain significance. Last evaluated: 2023-11-27. Review status: criteria provided, single submitter. Criteria: Invitae Variant Classification Sherloc (09022015). Collection method: clinical testing. Allele origin: germline.
Comment: This sequence change replaces arginine, which is basic and polar, with histidine, which is basic and polar, at codon 1208 of the CLTC protein (p.Arg1208His). This variant is present in population databases (rs148113473, gnomAD 0.003%). This variant has not been reported in the literature in individuals affected with CLTC-related conditions. ClinVar contains an entry for this variant (Variation ID: 1904034). Advanced modeling of protein sequence and biophysical properties (such as structural, functional, and spatial information, amino acid conservation, physicochemical variation, residue mobility, and thermodynamic stability) performed at Invitae indicates that this missense variant is expected to disrupt CLTC protein function with a positive predictive value of 80%. In summary, the available evidence is currently insufficient to determine the role of this variant in disease. Therefore, it has been classified as a Variant of Uncertain Significance.

NM_004859.4(CLTC):c.3611G>A (p.Arg1204His)

Gene: CLTC (clathrin heavy chain; plus strand). Cytogenetic location: 17q23.1.
Variant type: single nucleotide variant.
Coding change: c.3611G>A on transcript NM_004859.4 (MANE Select); coding-DNA position 3611, G replaced by A.
Protein change: p.Arg1204His; replaces arginine 1204 with histidine.
Molecular consequence: missense variant.
Genome position (GRCh38, 1-based): chr17:59,682,639, G>A. VCF-style: chr17-59682639-G-A. GRCh37 (hg19) VCF-style: chr17-57760000-G-A.
Other names: c.3623G>A, p.Arg1208His (NM_001288653.2); short protein forms R1204H, R1208H.
Identifiers: ClinVar variation 1904034 (VCV001904034.5), dbSNP rs148113473, ClinGen allele CA8681635.